The following is an entry in ClinVar:

NM_001375808.2(LPIN2):c.1514T>C (p.Ile505Thr)

Gene: LPIN2 (lipin 2; minus strand). Cytogenetic location: 18p11.31.
Variant type: single nucleotide variant.
Coding change: c.1514T>C on transcript NM_001375808.2 (MANE Select); coding-DNA position 1514, T replaced by C.
Protein change: p.Ile505Thr; replaces isoleucine 505 with threonine.
Molecular consequence: missense variant.
Genome position (GRCh38, 1-based): chr18:2,929,101, A>G on the plus strand (T>C on the coding strand, the complement: LPIN2 is on the minus strand). VCF-style: chr18-2929101-A-G. GRCh37 (hg19) VCF-style: chr18-2929099-A-G.
Other names: c.1514T>C, p.Ile505Thr (NM_001375809.1, NM_014646.2); short protein forms I505T.
Identifiers: ClinVar variation 234337 (VCV000234337.17), dbSNP rs146424724, ClinGen allele CA8873077.

ClinVar aggregate classification (germline): Uncertain significance. Review status: criteria provided, multiple submitters, no conflicts (2 of 4 stars). 7 submissions from 7 submitters: Uncertain significance (7). Last evaluated 2024-12-29.

Conditions:
Inborn genetic diseases. Identifiers: MedGen C0950123, MeSH D030342.
Majeed syndrome (MJDS). Also called: CHRONIC RECURRENT MULTIFOCAL OSTEOMYELITIS 1, WITH CONGENITAL DYSERYTHROPOIETIC ANEMIA, WITH OR WITHOUT NEUTROPHILIC DERMATOSIS; LPIN2-Related Majeed Syndrome. Identifiers: Orphanet 77297, MedGen C1864997, MONDO:0012316, OMIM 609628.

Allele frequency attached by ClinVar (database versions not stated): gnomAD exomes 0.00017 and 0.00023; 1000 Genomes Project 0.00020; ESP Exome Variant Server 0.00038; gnomAD 0.00013; TOPMed 0.00013; 1000 Genomes Project 30x 0.00016; ExAC 0.00016.
gnomAD v4.1: 338 of 1,605,446 alleles (0.021%); highest among the groups gnomAD compares: Non-Finnish European, 0.027%; no homozygotes.

Submissions (7):

Revvity Omics, Revvity
Classification: Uncertain significance for Majeed syndrome. Last evaluated: 2024-12-29. Review status: criteria provided, single submitter. Criteria: ACMG Guidelines, 2015. Collection method: clinical testing. Allele origin: germline.

Ambry Genetics
Classification: Uncertain significance for Inborn genetic diseases. Last evaluated: 2024-07-22. Review status: criteria provided, single submitter. Criteria: Ambry Variant Classification Scheme 2023. Collection method: clinical testing. Allele origin: germline.

Labcorp Genetics (formerly Invitae), Labcorp
Classification: Uncertain significance for Majeed syndrome. Last evaluated: 2023-12-22. Review status: criteria provided, single submitter. Criteria: Invitae Variant Classification Sherloc (09022015). Collection method: clinical testing. Allele origin: germline.
Comment: This sequence change replaces isoleucine, which is neutral and non-polar, with threonine, which is neutral and polar, at codon 505 of the LPIN2 protein (p.Ile505Thr). This variant is present in population databases (rs146424724, gnomAD 0.03%). This variant has not been reported in the literature in individuals affected with LPIN2-related conditions. ClinVar contains an entry for this variant (Variation ID: 234337). Advanced modeling of protein sequence and biophysical properties (such as structural, functional, and spatial information, amino acid conservation, physicochemical variation, residue mobility, and thermodynamic stability) has been performed at Invitae for this missense variant, however the output from this modeling did not meet the statistical confidence thresholds required to predict the impact of this variant on LPIN2 protein function. In summary, the available evidence is currently insufficient to determine the role of this variant in disease. Therefore, it has been classified as a Variant of Uncertain Significance.

Blueprint Genetics
Classification: Uncertain significance. Last evaluated: 2023-10-06. Review status: criteria provided, single submitter. Criteria: ACMG Guidelines, 2015. Collection method: clinical testing. Allele origin: germline.

Fulgent Genetics
Classification: Uncertain significance for Majeed syndrome. Last evaluated: 2018-10-31. Review status: criteria provided, single submitter. Criteria: ACMG Guidelines, 2015. Collection method: clinical testing. Allele origin: unknown.

Illumina Laboratory Services, Illumina
Classification: Uncertain significance for Majeed syndrome. Last evaluated: 2018-01-12. Review status: criteria provided, single submitter. Criteria: ICSL Variant Classification Criteria 13 December 2019. Collection method: clinical testing. Allele origin: germline.

GeneDx
Classification: Uncertain significance. Last evaluated: 2015-05-11. Review status: criteria provided, single submitter. Criteria: GeneDx Variant Classification (06012015). Collection method: clinical testing. Allele origin: germline. Affected: yes.
Comment: The I505T variant has not been published as a mutation, nor has it been reported as a benign polymorphism to our knowledge. It was not observed at any significant frequency in approximately 6,500 individuals of European and African American ancestry by the NHLBI Exome Sequencing Project. I505T is a non-conservative amino acid substitution, which is likely to impact secondary protein structure as these residues differ in polarity, charge, size and/or other properties. The position where this substitution occurs in the LPIN2 protein is highly conserved among species; however, it is not located in one of the known conserved domain regions of the LPIN2 protein (Reue et al., 2009). In silico analysis is inconsistent in its predictions as to whether or not the variant is damaging to the protein structure/function. In addition, a missense mutation in a nearby residue (L504F) has been reported in the Human Gene Mutation Database in association with psoriasis (Stenson et al., 2014), supporting the functional importance of this region of the protein. Therefore, based on the currently available information, it is unclear whether this variant is a pathogenic mutation or a rare benign variant.